The following is an entry in ClinVar:

NM_006031.6(PCNT):c.7993C>T (p.Leu2665=)

Gene: PCNT (pericentrin; plus strand). Cytogenetic location: 21q22.3.
Variant type: single nucleotide variant.
Coding change: c.7993C>T on transcript NM_006031.6 (MANE Select); coding-DNA position 7993, C replaced by T.
Protein change: p.Leu2665=; no amino-acid change (leucine 2665 retained).
Molecular consequence: synonymous variant.
Genome position (GRCh38, 1-based): chr21:46,430,586, C>T. VCF-style: chr21-46430586-C-T. GRCh37 (hg19) VCF-style: chr21-47850500-C-T.
Other names: c.7639C>T, p.Leu2547= (NM_001315529.2).
Identifiers: ClinVar variation 729075 (VCV000729075.52), dbSNP rs370099497, ClinGen allele CA10080854.
Genomic context (GRCh38, chr21:46,430,586, plus strand): 5'-GAGAACGAGCTGAAGGCCGCGCTTCAGGAGCTGGAGAGTGAGCAGGGGAAGGGGCGTGCC[C>T]TGCAGAGCCAGCTGGAGGAGGAGCAGCTGCGGCACCTGCAGAGGGAGAGCCAGAGTGCCA-3'
Protein context (NP_006022.3, residues 2655-2675): LESEQGKGRA[Leu2665=]QSQLEEEQLR

ClinVar aggregate classification (germline): Conflicting classifications of pathogenicity. Review status: criteria provided, conflicting classifications (1 of 4 stars). 5 submissions from 5 submitters: Uncertain significance (1); Likely benign (3). 1 of the submissions does not count toward it. Last evaluated 2025-12-28.

Conditions:
PCNT-related disorder. Also called: PCNT-related condition.
Microcephalic osteodysplastic primordial dwarfism type II (MOPD2). Also called: MOPD II; OSTEODYSPLASTIC PRIMORDIAL DWARFISM, TYPE II; Microcephalic osteodysplastic primordial dwarfism with tooth abnormalities. Identifiers: Orphanet 2637, MedGen C0432246, MONDO:0008872, OMIM 210720.

Allele frequency attached by ClinVar (database versions not stated): gnomAD exomes 0.00010 and 0.00024; gnomAD 0.00012 and 0.00026; ESP Exome Variant Server 0.00015; ExAC 0.00025; TOPMed 0.00031.
gnomAD v4.1: 200 of 1,564,040 alleles (0.013%); highest among the groups gnomAD compares: Middle Eastern, 0.088%; no homozygotes.

Submissions (5):

Labcorp Genetics (formerly Invitae), Labcorp
Classification: Likely benign. Last evaluated: 2025-12-28. Review status: criteria provided, single submitter. Criteria: Invitae Variant Classification Sherloc (09022015). Collection method: clinical testing. Allele origin: germline.

Blueprint Genetics
Classification: Likely benign. Last evaluated: 2024-10-24. Review status: criteria provided, single submitter. Criteria: ACMG Guidelines, 2015. Collection method: clinical testing. Allele origin: germline.

CeGaT Center for Human Genetics Tuebingen
Classification: Likely benign. Last evaluated: 2020-04-01. Review status: criteria provided, single submitter. Criteria: CeGaT Center For Human Genetics Tuebingen Variant Classification Criteria Version 2. Collection method: clinical testing. Allele origin: germline. Affected: yes. Observed: 1 variant allele.

Illumina Laboratory Services, Illumina
Classification: Uncertain significance for Microcephalic osteodysplastic primordial dwarfism type II. Last evaluated: 2017-04-27. Review status: criteria provided, single submitter. Criteria: ICSL Variant Classification Criteria 13 December 2019. Collection method: clinical testing. Allele origin: germline.

PreventionGenetics, part of Exact Sciences
Classification: Likely benign for PCNT-related condition. Last evaluated: 2021-08-02. Review status: no assertion criteria provided. Collection method: clinical testing. Allele origin: germline. Not counted in ClinVar's aggregate classification.
Comment: This variant is classified as likely benign based on ACMG/AMP sequence variant interpretation guidelines (Richards et al. 2015 PMID: 25741868, with internal and published modifications).